The following is an entry in ClinVar:

NM_015662.3(IFT172):c.2724G>A (p.Arg908=)

Genes: IFT172 (intraflagellar transport 172; minus strand), LOC126806174 (CDK7 strongly-dependent group 2 enhancer GRCh37_chr2:27681686-27682885; plus strand). Cytogenetic location: 2p23.3.
Variant type: single nucleotide variant.
Coding change: c.2724G>A on transcript NM_015662.3 (MANE Select); coding-DNA position 2724, G replaced by A.
Protein change: p.Arg908=; no amino-acid change (arginine 908 retained).
Molecular consequence: synonymous variant.
Genome position (GRCh38, 1-based): chr2:27,459,441, C>T on the plus strand (G>A on the coding strand, the complement: IFT172 is on the minus strand). VCF-style: chr2-27459441-C-T. GRCh37 (hg19) VCF-style: chr2-27682308-C-T.
Other names: c.2724G>A (NM_015662.2).
Identifiers: ClinVar variation 1579876 (VCV001579876.9), dbSNP rs367662405, ClinGen allele CA44494758.

ClinVar aggregate classification (germline): Likely benign. Review status: criteria provided, single submitter (1 of 4 stars). 2 submissions from 2 submitters: Likely benign (1). 1 of the submissions does not count toward it. Last evaluated 2023-08-10.

Conditions:
IFT172-related disorder. Also called: IFT172-related condition; IFT172-related disorders.
Short-rib thoracic dysplasia 10 with or without polydactyly (SRTD10). Identifiers: Orphanet 474, MedGen C3810175, MONDO:0014284, OMIM 615630.
Retinitis pigmentosa 71 (RP71). Identifiers: Orphanet 791, MedGen C4225342, MONDO:0014618, OMIM 616394.

Allele frequency attached by ClinVar (database versions not stated): gnomAD 0.00001 and 0.00003; gnomAD exomes 0.00001; TOPMed 0.00002; ESP Exome Variant Server 0.00008.
gnomAD v4.1: 8 of 1,614,072 alleles (0.0005%); highest among the groups gnomAD compares: Non-Finnish European, 0.00068%; no homozygotes.

Submissions (2):

Labcorp Genetics (formerly Invitae), Labcorp
Classification: Likely benign for Retinitis pigmentosa 71; Short-rib thoracic dysplasia 10 with or without polydactyly. Last evaluated: 2023-08-10. Review status: criteria provided, single submitter. Criteria: Invitae Variant Classification Sherloc (09022015). Collection method: clinical testing. Allele origin: germline.

PreventionGenetics, part of Exact Sciences
Classification: Likely benign for IFT172-related condition. Last evaluated: 2020-09-04. Review status: no assertion criteria provided. Collection method: clinical testing. Allele origin: germline. Not counted in ClinVar's aggregate classification.
Comment: This variant is classified as likely benign based on ACMG/AMP sequence variant interpretation guidelines (Richards et al. 2015 PMID: 25741868, with internal and published modifications).